The following is an entry in ClinVar:

NM_005121.3(MED13):c.2398_2400del (p.Lys800del)

Gene: MED13 (mediator complex subunit 13; minus strand). Cytogenetic location: 17q23.2.
Variant type: Deletion.
Coding change: c.2398_2400del on transcript NM_005121.3 (MANE Select); coding-DNA positions 2398 to 2400, 3 bases deleted (AAA; older notation c.2398_2400delAAA).
Protein change: p.Lys800del; deletes lysine 800.
Molecular consequence: inframe deletion.
Genome position (GRCh38, 1-based): chr17:61,985,076-61,985,078, TTT deleted on the plus strand (AAA on the coding strand, the reverse complement: MED13 is on the minus strand); deleting any 3 consecutive bases within chr17:61,985,076-61,985,081 gives the same sequence; the c. name uses the placement nearest the transcript's 3' end. VCF-style (leftmost placement, unchanged base first): chr17-61985075-ATTT-A. GRCh37 (hg19) VCF-style: chr17-60062436-ATTT-A.
Other names: short protein forms K800del.
Identifiers: ClinVar variation 5009014 (VCV005009014.1).

ClinVar aggregate classification (germline): Uncertain significance (1 of 4 stars; one submission).

Submission:

GeneDx
Classification: Uncertain significance. Last evaluated: 2026-03-19. Review status: criteria provided, single submitter. Criteria: GeneDx Variant Classification Process June 2021. Collection method: clinical testing. Allele origin: germline.
Comment: Not observed at significant frequency in large population cohorts (gnomAD); In-frame deletion of 1 amino acid(s) in a non-repeat region; In silico analysis supports a deleterious effect on protein structure/function; In silico analysis is inconclusive as to whether the variant alters gene splicing. In the absence of RNA/functional studies, the actual effect of this sequence change is unknown.; Has not been previously published as pathogenic or benign to our knowledge